The following is an entry in ClinVar:

ClinVar aggregate classification (germline): Uncertain significance (1 of 4 stars; one submission).

Conditions:
Pulmonary fibrosis and/or bone marrow failure, Telomere-related, 3. Also called: PULMONARY FIBROSIS AND/OR BONE MARROW FAILURE SYNDROME, TELOMERE-RELATED, 3. Identifiers: Orphanet 2032, MedGen C4225346, MONDO:0014613, OMIM 616373.
Dyskeratosis congenita, autosomal recessive 5 (DKCB5). Identifiers: MedGen C3554656, MONDO:0014076, OMIM 615190.

Submission:

Labcorp Genetics (formerly Invitae), Labcorp
Classification: Uncertain significance for Dyskeratosis congenita, autosomal recessive 5; Pulmonary fibrosis and/or bone marrow failure, Telomere-related, 3. Last evaluated: 2023-03-25. Review status: criteria provided, single submitter. Criteria: Invitae Variant Classification Sherloc (09022015). Collection method: clinical testing. Allele origin: germline.
Comment: In summary, the available evidence is currently insufficient to determine the role of this variant in disease. Therefore, it has been classified as a Variant of Uncertain Significance. This sequence change replaces alanine, which is neutral and non-polar, with glycine, which is neutral and non-polar, at codon 607 of the RTEL1 protein (p.Ala607Gly). This variant is not present in population databases (gnomAD no frequency). This variant has not been reported in the literature in individuals affected with RTEL1-related conditions. An algorithm developed to predict the effect of missense changes on protein structure and function (PolyPhen-2) suggests that this variant is likely to be tolerated.

NM_001283009.2(RTEL1):c.1820C>G (p.Ala607Gly)

Genes: RTEL1 (regulator of telomere elongation helicase 1; plus strand), RTEL1-TNFRSF6B (RTEL1-TNFRSF6B readthrough (NMD candidate); plus strand). Cytogenetic location: 20q13.33.
Variant type: single nucleotide variant.
Coding change: c.1820C>G on transcript NM_001283009.2 (MANE Select); coding-DNA position 1820, C replaced by G.
Protein change: p.Ala607Gly; replaces alanine 607 with glycine.
Molecular consequence: missense variant. On other transcripts: non-coding transcript variant (1).
Genome position (GRCh38, 1-based): chr20:63,689,074, C>G. VCF-style: chr20-63689074-C-G. GRCh37 (hg19) VCF-style: chr20-62320427-C-G.
Other names: c.1151C>G, p.Ala384Gly (NM_001283010.1); c.1820C>G, p.Ala607Gly (NM_016434.4); c.1892C>G, p.Ala631Gly (NM_032957.5); short protein forms A631G, A384G, A607G.
Identifiers: ClinVar variation 2933648 (VCV002933648.3), dbSNP rs1568709880, ClinGen allele CA409678447.
Genomic context (GRCh38, chr20:63,689,074, plus strand): 5'-GGGGGGGGCTCCAGGCTCAGCCTCACCAACTTTCCTTCCAGACCATCAGTGCTTACTATG[C>G]AAGGGTTGCCGCCCCTGGGTCCACCGGCGCCACCTTCCTGGCGGTCTGCCGGGGCAAGGT-3'
Protein context (NP_001269938.1, residues 597-617): SFSETISAYY[Ala607Gly]RVAAPGSTGA